The following is an entry in ClinVar:

ClinVar aggregate classification (germline): Uncertain significance. Review status: criteria provided, multiple submitters, no conflicts (2 of 4 stars). 3 submissions from 3 submitters: Uncertain significance (3). Last evaluated 2023-08-15.

Conditions:
Tuberous sclerosis syndrome (TSC). Also called: Tuberous Sclerosis Complex; Tuberous sclerosis. Identifiers: Orphanet 805, MedGen C0041341, MONDO:0001734.
Hereditary cancer-predisposing syndrome. Also called: Hereditary Cancer Syndrome; Neoplastic Syndromes, Hereditary; Hereditary neoplastic syndrome; Tumor predisposition. Identifiers: Orphanet 140162, MedGen C0027672, MeSH D009386, MONDO:0015356.

Submissions (3):

All of Us Research Program, National Institutes of Health
Classification: Uncertain significance for Tuberous sclerosis syndrome. Last evaluated: 2023-08-15. Review status: criteria provided, single submitter. Criteria: ACMG Guidelines, 2015. Collection method: clinical testing. Allele origin: germline. Inheritance: Autosomal dominant inheritance. Observed: 1 variant allele, 1 heterozygote.
Comment: This missense variant replaces serine with arginine at codon 838 of the TSC1 protein. Computational prediction suggests that this variant may not impact protein structure and function (internally defined REVEL score threshold <= 0.5, PMID: 27666373). To our knowledge, functional studies have not been reported for this variant. This variant has not been reported in individuals affected with TSC1-related disorders in the literature. This variant has not been identified in the general population by the Genome Aggregation Database (gnomAD). The available evidence is insufficient to determine the role of this variant in disease conclusively. Therefore, this variant is classified as a Variant of Uncertain Significance.

This study involves interpretation of variants in research participants for the purpose of population health screening. Participant phenotype was not available at the time of variant classification. Additional details can be found in publication PMID: 35346344, PMCID: PMC8962531

GeneDx
Classification: Uncertain significance. Last evaluated: 2023-04-09. Review status: criteria provided, single submitter. Criteria: GeneDx Variant Classification Process June 2021. Collection method: clinical testing. Allele origin: germline. Affected: yes.
Comment: Not observed at significant frequency in large population cohorts (gnomAD); In silico analysis supports that this missense variant has a deleterious effect on protein structure/function; Has not been previously published as pathogenic or benign to our knowledge; This variant is associated with the following publications: (PMID: 18466115)

Ambry Genetics
Classification: Uncertain significance for Hereditary cancer-predisposing syndrome. Last evaluated: 2019-12-13. Review status: criteria provided, single submitter. Criteria: Ambry Variant Classification Scheme 2023. Collection method: clinical testing. Allele origin: germline.
Comment: The p.S838R variant (also known as c.2514T>G), located in coding exon 18 of the TSC1 gene, results from a T to G substitution at nucleotide position 2514. The serine at codon 838 is replaced by arginine, an amino acid with dissimilar properties. This amino acid position is highly conserved in available vertebrate species. In addition, this alteration is predicted to be deleterious by in silico analysis. Since supporting evidence is limited at this time, the clinical significance of this alteration remains unclear.

NM_000368.5(TSC1):c.2514T>G (p.Ser838Arg)

Gene: TSC1 (TSC complex subunit 1; minus strand). Cytogenetic location: 9q34.13.
Variant type: single nucleotide variant.
Coding change: c.2514T>G on transcript NM_000368.5 (MANE Select); coding-DNA position 2514, T replaced by G.
Protein change: p.Ser838Arg; replaces serine 838 with arginine.
Molecular consequence: missense variant.
Genome position (GRCh38, 1-based): chr9:132,900,826, A>C on the plus strand (T>G on the coding strand, the complement: TSC1 is on the minus strand). VCF-style: chr9-132900826-A-C. GRCh37 (hg19) VCF-style: chr9-135776213-A-C.
Other names: c.2511T>G, p.Ser837Arg (NM_001162426.2); c.2361T>G, p.Ser787Arg (NM_001162427.2); c.2151T>G, p.Ser717Arg (NM_001362177.2); short protein forms S837R, S838R, S787R, S717R.
Identifiers: ClinVar variation 821385 (VCV000821385.6), dbSNP rs786203259, ClinGen allele CA375370320.